The following is an entry in ClinVar:

GRCh38/hg38 10q26.3(chr10:133390058-133564028)x1

Genes: CYP2E1 (cytochrome P450 family 2 subfamily E member 1; plus strand), MTG1 (mitochondrial ribosome associated GTPase 1; plus strand), PAOX (polyamine oxidase; plus strand), SCART1 (scavenger receptor family member expressed on T cells 1; plus strand), SPRN (shadow of prion protein; minus strand) and 13 more. Cytogenetic location: 10q26.3.
Variant type: copy number loss.
Change: copy number 1 (one copy instead of two) of chr10:133,390,058-133,564,028 (174.0 kb, GRCh38 coordinates, 1-based), cytogenetic band 10q26.3.
Identifiers: ClinVar variation 57266 (VCV000057266.1).

ClinVar aggregate classification (germline): Benign (1 of 4 stars; one submission).

Submission:

ISCA site 4
Classification: Benign. Last evaluated: 2011-08-12. Review status: criteria provided, single submitter. Criteria: Kaminsky et al. (Genet Med. 2011). Collection method: clinical testing. Allele origin: unknown. Affected: yes. Observed: 1 variant allele.
Comment: Copy number variation identified through the course of routine clinical cytogenomic testing in postnatal populations. Clinical assertions have been curated as described in Kaminsky et al. 2011.